The following is an entry in ClinVar:

ClinVar aggregate classification (germline): Conflicting classifications of pathogenicity. Review status: criteria provided, conflicting classifications (1 of 4 stars). 2 submissions from 2 submitters: Likely pathogenic (1); Uncertain significance (1). Last evaluated 2025-10-20.

Conditions:
Dilated cardiomyopathy 1G (CMD1G). Identifiers: Orphanet 154, MedGen C1858763, MONDO:0011400, OMIM 604145.
Autosomal recessive limb-girdle muscular dystrophy type 2J (LGMDR10). Also called: Limb-girdle muscular dystrophy, type 2J; MUSCULAR DYSTROPHY, LIMB-GIRDLE, AUTOSOMAL RECESSIVE 10. Identifiers: Orphanet 140922, MedGen C1837342, MONDO:0012127, OMIM 608807.

Submissions (2):

Labcorp Genetics (formerly Invitae), Labcorp
Classification: Likely pathogenic for Dilated cardiomyopathy 1G; Autosomal recessive limb-girdle muscular dystrophy type 2J. Last evaluated: 2025-10-20. Review status: criteria provided, single submitter. Criteria: Invitae Variant Classification Sherloc (09022015). Collection method: clinical testing. Allele origin: germline.
Comment: This sequence change creates a premature translational stop signal (p.Thr10330Argfs*4) in the TTN gene. While this is not anticipated to result in nonsense mediated decay, it is expected to create a truncated TTN protein. This variant is not present in population databases (gnomAD no frequency). This variant has not been reported in the literature in individuals affected with TTN-related conditions. ClinVar contains an entry for this variant (Variation ID: 952858). This variant is located in the I band of TTN (PMID: 25589632). Truncating variants in this region have been reported in individuals affected with autosomal recessive centronuclear myopathy (PMID: 23975875, internal data). Truncating variants in this region have also been identified in individuals affected with autosomal dominant dilated cardiomyopathy and/or cardio-related conditions (PMID: 27869827, 32964742, internal data). In summary, the currently available evidence indicates that the variant is pathogenic, but additional data are needed to prove that conclusively. Therefore, this variant has been classified as Likely Pathogenic.

GeneDx
Classification: Uncertain significance. Last evaluated: 2023-01-30. Review status: criteria provided, single submitter. Criteria: GeneDx Variant Classification Process June 2021. Collection method: clinical testing. Allele origin: germline. Affected: yes.
Comment: Not observed at significant frequency in large population cohorts (gnomAD); Frameshift variant predicted to result in protein truncation or nonsense mediated decay in a region of a gene for which loss of function is not a well-established mechanism of disease; Has not been previously published as pathogenic or benign to our knowledge

Literature cited by the submitters: PubMed 25589632 (cited by Labcorp Genetics (formerly Invitae), Labcorp); PubMed 23975875 (cited by Labcorp Genetics (formerly Invitae), Labcorp); PubMed 27869827 (cited by Labcorp Genetics (formerly Invitae), Labcorp); PubMed 32964742 (cited by Labcorp Genetics (formerly Invitae), Labcorp).

NM_001267550.2(TTN):c.30989_30990del (p.Thr10330fs)

Gene: TTN (titin; minus strand). Cytogenetic location: 2q31.2.
Variant type: Microsatellite.
Coding change: c.30989_30990del on transcript NM_001267550.2 (MANE Select); coding-DNA positions 30989 to 30990, 2 bases deleted (CA; older notation c.30989_30990delCA).
Protein change: p.Thr10330fs; shifts the reading frame from threonine 10330.
Molecular consequence: frameshift variant. On other transcripts: intron variant (3).
Genome position (GRCh38, 1-based): chr2:178,696,082-178,696,083, TG deleted on the plus strand (CA on the coding strand, the reverse complement: TTN is on the minus strand); deleting any 2 consecutive bases within chr2:178,696,082-178,696,086 gives the same sequence; the c. name uses the placement nearest the transcript's 3' end. VCF-style (leftmost placement, unchanged base first): chr2-178696081-CTG-C. GRCh37 (hg19) VCF-style: chr2-179560808-CTG-C.
Other names: c.30989_30990del (NM_001267550.1); c.30038_30039del, p.Thr10013fs (NM_001256850.1); c.27257_27258del, p.Thr9086fs (NM_133378.4); c.13282+41999_13282+42000del (NM_003319.4); c.13858+41999_13858+42000del (NM_133437.4); c.13657+41999_13657+42000del (NM_133432.3); short protein forms T10013fs, T10330fs, T9086fs.
Identifiers: ClinVar variation 952858 (VCV000952858.14), dbSNP rs2073652081, ClinGen allele CA1310582962.
Genomic context (GRCh38, chr2:178,696,081, plus strand): 5'-CTACCTTAATCTCTTCATAGTCTTCATCTGGTTCTTCATAATAAGGTTGTTCAAATGGCT[CTG>C]TGTATGGTTCTACCTCCAGTTCGTCATAAGGTTCTTCGAAAGATTCAATGAAGACTCTCT-3'